The following is an entry in ClinVar:

NM_001365999.1(SZT2):c.3755A>C (p.Gln1252Pro)

Gene: SZT2 (SZT2 subunit of KICSTOR complex; plus strand). Cytogenetic location: 1p34.2.
Variant type: single nucleotide variant.
Coding change: c.3755A>C on transcript NM_001365999.1 (MANE Select); coding-DNA position 3755, A replaced by C.
Protein change: p.Gln1252Pro; replaces glutamine 1252 with proline.
Molecular consequence: missense variant.
Genome position (GRCh38, 1-based): chr1:43,427,686, A>C. VCF-style: chr1-43427686-A-C. GRCh37 (hg19) VCF-style: chr1-43893357-A-C.
Other names: c.3584A>C, p.Gln1195Pro (NM_015284.4); short protein forms Q1195P, Q1252P.
Identifiers: ClinVar variation 642433 (VCV000642433.10), dbSNP rs750743832, ClinGen allele CA340018969.

ClinVar aggregate classification (germline): Conflicting classifications of pathogenicity. Review status: criteria provided, conflicting classifications (1 of 4 stars). 5 submissions from 5 submitters: Uncertain significance (4); Likely benign (1). Last evaluated 2025-07-08.

Conditions:
SZT2-related disorder. Also called: SZT2-related condition.
Inborn genetic diseases. Identifiers: MedGen C0950123, MeSH D030342.
Developmental and epileptic encephalopathy, 18 (DEE18). Also called: Early infantile epileptic encephalopathy 18. Identifiers: Orphanet 369894, MedGen C3809624, MONDO:0014201, OMIM 615476.

Allele frequency attached by ClinVar (database versions not stated): gnomAD 0.00003; TOPMed 0.00050.
gnomAD v4.1: 172 of 1,614,022 alleles (0.011%); highest among the groups gnomAD compares: Admixed American, 0.28%; 1 homozygote.

Submissions (5):

GeneDx
Classification: Uncertain significance. Last evaluated: 2025-07-08. Review status: criteria provided, single submitter. Criteria: GeneDx Variant Classification Process June 2021. Collection method: clinical testing. Allele origin: germline. Affected: yes.
Comment: In silico analysis suggests that this missense variant does not alter protein structure/function; Has not been previously published as pathogenic or benign to our knowledge

PreventionGenetics, part of Exact Sciences
Classification: Likely benign for SZT2-related condition. Last evaluated: 2024-12-05. Review status: criteria provided, single submitter. Criteria: ACMG Guidelines, 2015. Collection method: clinical testing. Allele origin: germline.
Comment: This variant is classified as likely benign based on ACMG/AMP sequence variant interpretation guidelines (Richards et al. 2015 PMID: 25741868, with internal and published modifications).

Genome-Nilou Lab
Classification: Uncertain significance for Developmental and epileptic encephalopathy, 18. Last evaluated: 2023-04-11. Review status: criteria provided, single submitter. Criteria: ACMG Guidelines, 2015. Collection method: clinical testing. Allele origin: germline. Affected: no.

Labcorp Genetics (formerly Invitae), Labcorp
Classification: Uncertain significance. Last evaluated: 2022-10-17. Review status: criteria provided, single submitter. Criteria: Invitae Variant Classification Sherloc (09022015). Collection method: clinical testing. Allele origin: germline.
Comment: This sequence change replaces glutamine, which is neutral and polar, with proline, which is neutral and non-polar, at codon 1195 of the SZT2 protein (p.Gln1195Pro). This variant is present in population databases (no rsID available, gnomAD 0.1%). This variant has not been reported in the literature in individuals affected with SZT2-related conditions. ClinVar contains an entry for this variant (Variation ID: 642433). Advanced modeling of protein sequence and biophysical properties (such as structural, functional, and spatial information, amino acid conservation, physicochemical variation, residue mobility, and thermodynamic stability) has been performed at Invitae for this missense variant, however the output from this modeling did not meet the statistical confidence thresholds required to predict the impact of this variant on SZT2 protein function. In summary, the available evidence is currently insufficient to determine the role of this variant in disease. Therefore, it has been classified as a Variant of Uncertain Significance.

Ambry Genetics
Classification: Uncertain significance for Inborn genetic diseases. Last evaluated: 2018-07-11. Review status: criteria provided, single submitter. Criteria: Ambry Variant Classification Scheme 2023. Collection method: clinical testing. Allele origin: germline.
Comment: The p.Q1195P variant (also known as c.3584A>C), located in coding exon 25 of the SZT2 gene, results from an A to C substitution at nucleotide position 3584. The glutamine at codon 1195 is replaced by proline, an amino acid with similar properties. This amino acid position is highly conserved in available vertebrate species. In addition, the in silico prediction for this alteration is inconclusive. Since supporting evidence is limited at this time, the clinical significance of this alteration remains unclear.